The following is an entry in ClinVar:

NM_015386.3(COG4):c.517A>T (p.Ile173Phe)

Gene: COG4 (component of oligomeric golgi complex 4; minus strand). Cytogenetic location: 16q22.1.
Variant type: single nucleotide variant.
Coding change: c.517A>T on transcript NM_015386.3 (MANE Select); coding-DNA position 517, A replaced by T.
Protein change: p.Ile173Phe; replaces isoleucine 173 with phenylalanine.
Molecular consequence: missense variant. On other transcripts: non-coding transcript variant (1).
Genome position (GRCh38, 1-based): chr16:70,514,362, T>A on the plus strand (A>T on the coding strand, the complement: COG4 is on the minus strand). VCF-style: chr16-70514362-T-A. GRCh37 (hg19) VCF-style: chr16-70548265-T-A.
Other names: c.517A>T (NM_015386.2); c.505A>T, p.Ile169Phe (NM_001195139.2); c.91A>T, p.Ile31Phe (NM_001365426.1); short protein forms I169F, I173F, I31F.
Identifiers: ClinVar variation 3607365 (VCV003607365.3).
Genomic context (GRCh38, chr16:70,514,362, plus strand): 5'-CTAAACTAAAAACCAACAGTTTCGGATGCTGACCCTCTTTGCCCTGTCGGCTGAGCTCAA[T>A]GACCGACTTGTCCAGGCACAAGTAGCGATGAGTATGTGCTGCAGCCTGCTCATAATCTTC-3'
Protein context (NP_056201.2, residues 163-183): HRYLCLDKSV[Ile173Phe]ELSRQGKEGS

ClinVar aggregate classification (germline): Uncertain significance. Review status: criteria provided, multiple submitters, no conflicts (2 of 4 stars). 2 submissions from 2 submitters: Uncertain significance (2). Last evaluated 2025-09-05.

Conditions:
COG4-congenital disorder of glycosylation. Also called: CONGENITAL DISORDER OF GLYCOSYLATION, TYPE IIj; CDG IIj; COG4-CDG. Identifiers: Orphanet 263501, MedGen C4303552, MONDO:0013281, OMIM 613489.
Inborn genetic diseases. Identifiers: MedGen C0950123, MeSH D030342.

gnomAD v4.1: 5 of 1,614,094 alleles (0.00031%); highest among the groups gnomAD compares: Admixed American, 0.0017%; no homozygotes.

Submissions (2):

Ambry Genetics
Classification: Uncertain significance for Inborn genetic diseases. Last evaluated: 2025-09-05. Review status: criteria provided, single submitter. Criteria: Ambry Variant Classification Scheme 2023. Collection method: clinical testing. Allele origin: germline.

Labcorp Genetics (formerly Invitae), Labcorp
Classification: Uncertain significance for COG4-congenital disorder of glycosylation. Last evaluated: 2025-07-28. Review status: criteria provided, single submitter. Criteria: Invitae Variant Classification Sherloc (09022015). Collection method: clinical testing. Allele origin: germline.
Comment: This sequence change replaces isoleucine, which is neutral and non-polar, with phenylalanine, which is neutral and non-polar, at codon 173 of the COG4 protein (p.Ile173Phe). This variant is present in population databases (no rsID available, gnomAD 0.003%). This variant has not been reported in the literature in individuals affected with COG4-related conditions. ClinVar contains an entry for this variant (Variation ID: 3607365). Invitae Evidence Modeling of protein sequence and biophysical properties (such as structural, functional, and spatial information, amino acid conservation, physicochemical variation, residue mobility, and thermodynamic stability) indicates that this missense variant is not expected to disrupt COG4 protein function with a negative predictive value of 80%. In summary, the available evidence is currently insufficient to determine the role of this variant in disease. Therefore, it has been classified as a Variant of Uncertain Significance.